The following is an entry in ClinVar:

NM_000081.4(LYST):c.8351C>G (p.Ser2784Cys)

Gene: LYST (lysosomal trafficking regulator; minus strand). Cytogenetic location: 1q42.3.
Variant type: single nucleotide variant.
Coding change: c.8351C>G on transcript NM_000081.4 (MANE Select); coding-DNA position 8351, C replaced by G.
Protein change: p.Ser2784Cys; replaces serine 2784 with cysteine.
Molecular consequence: missense variant.
Genome position (GRCh38, 1-based): chr1:235,741,429, G>C on the plus strand (C>G on the coding strand, the complement: LYST is on the minus strand). VCF-style: chr1-235741429-G-C. GRCh37 (hg19) VCF-style: chr1-235904729-G-C.
Other names: c.8351C>G, p.Ser2784Cys (NM_001301365.1); short protein forms S2784C.
Identifiers: ClinVar variation 1372442 (VCV001372442.5), dbSNP rs565272770, ClinGen allele CA1465909.

ClinVar aggregate classification (germline): Uncertain significance (1 of 4 stars; one submission).

Conditions:
Chédiak-Higashi syndrome (CHS). Also called: Chediak-Higashi Syndrome. Identifiers: Orphanet 167, MedGen C0007965, MONDO:0008963, OMIM 214500.

Allele frequency attached by ClinVar (database versions not stated): ExAC 0.00001; gnomAD 0.00002; 1000 Genomes Project 30x 0.00031; 1000 Genomes Project 0.00040.
gnomAD v4.1: 4 of 1,612,608 alleles (0.00025%); highest among the groups gnomAD compares: East Asian, 0.0067%; no homozygotes.

Submission:

Labcorp Genetics (formerly Invitae), Labcorp
Classification: Uncertain significance for Chédiak-Higashi syndrome. Last evaluated: 2022-02-10. Review status: criteria provided, single submitter. Criteria: Invitae Variant Classification Sherloc (09022015). Collection method: clinical testing. Allele origin: germline.
Comment: This sequence change replaces serine, which is neutral and polar, with cysteine, which is neutral and slightly polar, at codon 2784 of the LYST protein (p.Ser2784Cys). This variant is present in population databases (rs565272770, gnomAD 0.01%). This variant has not been reported in the literature in individuals affected with LYST-related conditions. Algorithms developed to predict the effect of missense changes on protein structure and function are either unavailable or do not agree on the potential impact of this missense change (SIFT: "Tolerated"; PolyPhen-2: "Probably Damaging"; Align-GVGD: "Class C0"). In summary, the available evidence is currently insufficient to determine the role of this variant in disease. Therefore, it has been classified as a Variant of Uncertain Significance.